The following is an entry in ClinVar:

ClinVar aggregate classification (germline): Likely pathogenic (1 of 4 stars; one submission).

Conditions:
Autosomal recessive limb-girdle muscular dystrophy type 2J (LGMDR10). Also called: Limb-girdle muscular dystrophy, type 2J; MUSCULAR DYSTROPHY, LIMB-GIRDLE, AUTOSOMAL RECESSIVE 10. Identifiers: Orphanet 140922, MedGen C1837342, MONDO:0012127, OMIM 608807.
Dilated cardiomyopathy 1G (CMD1G). Identifiers: Orphanet 154, MedGen C1858763, MONDO:0011400, OMIM 604145.

Submission:

Labcorp Genetics (formerly Invitae), Labcorp
Classification: Likely pathogenic for Dilated cardiomyopathy 1G; Autosomal recessive limb-girdle muscular dystrophy type 2J. Last evaluated: 2025-08-30. Review status: criteria provided, single submitter. Criteria: Invitae Variant Classification Sherloc (09022015). Collection method: clinical testing. Allele origin: germline.
Comment: This sequence change creates a premature translational stop signal (p.Glu14365*) in the TTN gene. While this is not anticipated to result in nonsense mediated decay, it is expected to create a truncated TTN protein. This variant is not present in population databases (gnomAD no frequency). This variant has not been observed in the literature in individuals with autosomal recessive TTN-related conditions. This variant has been reported in individual(s) with autosomal dominant dilated cardiomyopathy (internal data); however, the role of the variant in this condition is currently unclear. This variant is located in the I band of TTN (PMID: 25589632). Truncating variants in this region have been reported in individuals affected with autosomal recessive centronuclear myopathy (PMID: 23975875, internal data). Truncating variants in this region have also been identified in individuals affected with autosomal dominant dilated cardiomyopathy and/or cardio-related conditions (PMID: 27869827, 32964742, internal data). In summary, the currently available evidence indicates that the variant is pathogenic, but additional data are needed to prove that conclusively. Therefore, this variant has been classified as Likely Pathogenic.

Literature cited by the submitters: PubMed 25589632; PubMed 23975875; PubMed 27869827; PubMed 32964742.

NM_001267550.2(TTN):c.43093G>T (p.Glu14365Ter)

Gene: TTN (titin; minus strand). Cytogenetic location: 2q31.2.
Variant type: single nucleotide variant.
Coding change: c.43093G>T on transcript NM_001267550.2 (MANE Select); coding-DNA position 43093, G replaced by T.
Protein change: p.Glu14365Ter; replaces glutamic acid 14365 with a stop codon.
Molecular consequence: nonsense.
Genome position (GRCh38, 1-based): chr2:178,633,038, C>A on the plus strand (G>T on the coding strand, the complement: TTN is on the minus strand). VCF-style: chr2-178633038-C-A. GRCh37 (hg19) VCF-style: chr2-179497765-C-A.
Other names: c.38170G>T, p.Glu12724Ter (NM_001256850.1); c.15898G>T, p.Glu5300Ter (NM_003319.4); c.35389G>T, p.Glu11797Ter (NM_133378.4); c.16273G>T, p.Glu5425Ter (NM_133432.3); c.16474G>T, p.Glu5492Ter (NM_133437.4); short protein forms E12724*, E14365*, E5300*, E11797*, E5425*, E5492*.
Identifiers: ClinVar variation 4786010 (VCV004786010.1).